The following is an entry in ClinVar:

ClinVar aggregate classification (germline): Uncertain significance (1 of 4 stars; one submission).

Conditions:
Lethal multiple pterygium syndrome (LMPS). Identifiers: Orphanet 33108, MedGen C1854678, MONDO:0009668, OMIM 253290.

Submission:

Labcorp Genetics (formerly Invitae), Labcorp
Classification: Uncertain significance for Lethal multiple pterygium syndrome. Last evaluated: 2018-01-02. Review status: criteria provided, single submitter. Criteria: Invitae Variant Classification Sherloc (09022015). Collection method: clinical testing. Allele origin: germline.
Comment: In summary, the available evidence is currently insufficient to determine the role of this variant in disease. Therefore, it has been classified as a Variant of Uncertain Significance. Algorithms developed to predict the effect of missense changes on protein structure and function do not agree on the potential impact of this missense change (SIFT: "Deleterious"; PolyPhen-2: "Probably Damaging"; Align-GVGD: "Class C0"). This variant has not been reported in the literature in individuals with CHRNA1-related disease. This variant is not present in population databases (ExAC no frequency). This sequence change replaces tyrosine with aspartic acid at codon 35 of the CHRNA1 protein (p.Tyr35Asp). The tyrosine residue is highly conserved and there is a large physicochemical difference between tyrosine and aspartic acid.

NM_000079.4(CHRNA1):c.103T>G (p.Tyr35Asp)

Gene: CHRNA1 (cholinergic receptor nicotinic alpha 1 subunit; minus strand). Cytogenetic location: 2q31.1.
Variant type: single nucleotide variant.
Coding change: c.103T>G on transcript NM_000079.4 (MANE Select); coding-DNA position 103, T replaced by G.
Protein change: p.Tyr35Asp; replaces tyrosine 35 with aspartic acid.
Molecular consequence: missense variant.
Genome position (GRCh38, 1-based): chr2:174,759,574, A>C on the plus strand (T>G on the coding strand, the complement: CHRNA1 is on the minus strand). VCF-style: chr2-174759574-A-C. GRCh37 (hg19) VCF-style: chr2-175624302-A-C.
Other names: c.103T>G, p.Tyr35Asp (NM_001039523.3); short protein forms Y35D.
Identifiers: ClinVar variation 566784 (VCV000566784.8), dbSNP rs1558914914, ClinGen allele CA349344547.